The following is an entry in ClinVar:

ClinVar aggregate classification (germline): Likely benign. Review status: criteria provided, multiple submitters, no conflicts (2 of 4 stars). 4 submissions from 4 submitters: Likely benign (3). 1 of the submissions does not count toward it. Last evaluated 2025-09-04.

Conditions:
ADNP-related disorder. Also called: ADNP-related condition.
Inborn genetic diseases. Identifiers: MedGen C0950123, MeSH D030342.

Allele frequency attached by ClinVar (database versions not stated): ExAC 0.00012; gnomAD 0.00012 and 0.00013; gnomAD exomes 0.00012; TOPMed 0.00014; ESP Exome Variant Server 0.00023.
gnomAD v4.1: 657 of 1,614,122 alleles (0.041%); highest among the groups gnomAD compares: Non-Finnish European, 0.054%; no homozygotes.

Submissions (4):

Labcorp Genetics (formerly Invitae), Labcorp
Classification: Likely benign. Last evaluated: 2025-09-04. Review status: criteria provided, single submitter. Criteria: Invitae Variant Classification Sherloc (09022015). Collection method: clinical testing. Allele origin: germline.

Blueprint Genetics
Classification: Likely benign. Last evaluated: 2024-11-06. Review status: criteria provided, single submitter. Criteria: ACMG Guidelines, 2015. Collection method: clinical testing. Allele origin: germline.

Ambry Genetics
Classification: Likely benign for Inborn genetic diseases. Last evaluated: 2016-07-05. Review status: criteria provided, single submitter. Criteria: Ambry Variant Classification Scheme 2023. Collection method: clinical testing. Allele origin: germline.

PreventionGenetics, part of Exact Sciences
Classification: Likely benign for ADNP-related condition. Last evaluated: 2024-09-14. Review status: no assertion criteria provided. Collection method: clinical testing. Allele origin: germline. Not counted in ClinVar's aggregate classification.
Comment: This variant is classified as likely benign based on ACMG/AMP sequence variant interpretation guidelines (Richards et al. 2015 PMID: 25741868, with internal and published modifications).

NM_001282531.3(ADNP):c.1932A>G (p.Arg644=)

Gene: ADNP (activity dependent neuroprotector homeobox; minus strand). Cytogenetic location: 20q13.13.
Variant type: single nucleotide variant.
Coding change: c.1932A>G on transcript NM_001282531.3 (MANE Select); coding-DNA position 1932, A replaced by G.
Protein change: p.Arg644=; no amino-acid change (arginine 644 retained).
Molecular consequence: synonymous variant.
Genome position (GRCh38, 1-based): chr20:50,892,782, T>C on the plus strand (A>G on the coding strand, the complement: ADNP is on the minus strand). VCF-style: chr20-50892782-T-C. GRCh37 (hg19) VCF-style: chr20-49509319-T-C.
Other names: c.1932A>G (NM_001282531.2); c.1932A>G, p.Arg644= (NM_001282532.2, NM_001347511.2, NM_015339.5 and 1 more transcripts).
Identifiers: ClinVar variation 587993 (VCV000587993.15), dbSNP rs199630325, ClinGen allele CA9908668.
Genomic context (GRCh38, chr20:50,892,782, plus strand): 5'-ACATTTGTAGGTGAGCTTTTTCTCAACTGGATGAACCGTCTGAATAACTTGGTGCCTCTC[T>C]CGTAAGTGATGTGCAAGTGCATCAGATATGGGTCCTTTTAGGATTGAAAAGCAAAGAGGA-3'
Protein context (NP_001269460.1, residues 634-654): PISDALAHHL[Arg644=]ERHQVIQTVH